The following is an entry in ClinVar:

ClinVar aggregate classification (germline): Uncertain significance (1 of 4 stars; one submission).

Conditions:
CRYGS-related disorder. Also called: CRYGS-related condition.

Submission:

PreventionGenetics, part of Exact Sciences
Classification: Uncertain significance for CRYGS-related condition. Last evaluated: 2026-06-24. Review status: criteria provided, single submitter. Criteria: ACMG Guidelines, 2015. Collection method: clinical testing. Allele origin: germline.
Comment: The CRYGS c.200A>G variant is predicted to result in the amino acid substitution p.Tyr67Cys. To our knowledge, this variant has not been reported in the literature. An alternate substitution of this same amino acid residue (p.Tyr67Asn) has been reported as segregating with disease in a large kindred with congenital cataracts (Zhang et al. 2018. PubMed ID: 29964096). This variant is absent in a large population database (gnomAD), indicating this variant is rare. Although we suspect that this variant may be pathogenic, at this time, the clinical significance of this variant is uncertain due to the absence of conclusive functional and genetic evidence.

NM_017541.4(CRYGS):c.200A>G (p.Tyr67Cys)

Gene: CRYGS (crystallin gamma S; minus strand). Cytogenetic location: 3q27.3.
Variant type: single nucleotide variant.
Coding change: c.200A>G on transcript NM_017541.4 (MANE Select); coding-DNA position 200, A replaced by G.
Protein change: p.Tyr67Cys; replaces tyrosine 67 with cysteine.
Molecular consequence: missense variant.
Genome position (GRCh38, 1-based): chr3:186,539,419, T>C on the plus strand (A>G on the coding strand, the complement: CRYGS is on the minus strand). VCF-style: chr3-186539419-T-C. GRCh37 (hg19) VCF-style: chr3-186257208-T-C.
Other names: short protein forms Y67C.
Identifiers: ClinVar variation 4984901 (VCV004984901.1).